The following is an entry in ClinVar:

ClinVar aggregate classification (germline): Pathogenic (1 of 4 stars; one submission).

Submission:

Labcorp Genetics (formerly Invitae), Labcorp
Classification: Pathogenic. Last evaluated: 2021-08-09. Review status: criteria provided, single submitter. Criteria: Invitae Variant Classification Sherloc (09022015). Collection method: clinical testing. Allele origin: germline.
Comment: This variant has not been reported in the literature in individuals affected with RIPK1-related conditions. For these reasons, this variant has been classified as Pathogenic. This variant is a gross deletion of the genomic region encompassing exon(s) 5-6 of the RIPK1 gene. This deletion is out-of-frame, and is expected to create a premature termination codon and result in an absent or disrupted protein product. Loss-of-function variants in RIPK1 are known to be pathogenic (PMID: 31213653).

Literature cited by the submitters: PubMed 31213653.

NC_000006.11:g.(?_3083299)_(3085662_?)del

Gene: RIPK1 (receptor interacting serine/threonine kinase 1; plus strand). Cytogenetic location: 6p25.2.
Variant type: Deletion.
Identifiers: ClinVar variation 1456594 (VCV001456594.4).